The following is an entry in ClinVar:

NM_005227.3(EFNA4):c.278C>A (p.Ala93Asp)

Genes: ADAM15-EFNA4 (ADAM15-EFNA4 readthrough; plus strand), EFNA4 (ephrin A4; plus strand), EFNA4-EFNA3 (EFNA4-EFNA3 readthrough; plus strand). Cytogenetic location: 1q21.3.
Variant type: single nucleotide variant.
Coding change: c.278C>A on transcript NM_005227.3 (MANE Select); coding-DNA position 278, C replaced by A.
Protein change: p.Ala93Asp; replaces alanine 93 with aspartic acid.
Molecular consequence: missense variant. On other transcripts: non-coding transcript variant (1), intron variant (1).
Genome position (GRCh38, 1-based): chr1:155,066,894, C>A. VCF-style: chr1-155066894-C-A. GRCh37 (hg19) VCF-style: chr1-155039370-C-A.
Other names: c.50C>A, p.Ala17Asp (NM_001406810.1); c.278C>A, p.Ala93Asp (NM_182689.2, NM_182690.3); c.113+2958C>A (NM_001407761.1); short protein forms A93D, A17D.
Identifiers: ClinVar variation 3719573 (VCV003719573.2).

ClinVar aggregate classification (germline): Uncertain significance (1 of 4 stars; one submission).

gnomAD v4.1: 1 of 1,614,138 alleles (0.000062%); highest among the groups gnomAD compares: Non-Finnish European, 0.000085%; no homozygotes.

Submission:

Labcorp Genetics (formerly Invitae), Labcorp
Classification: Uncertain significance. Last evaluated: 2024-09-24. Review status: criteria provided, single submitter. Criteria: Invitae Variant Classification Sherloc (09022015). Collection method: clinical testing. Allele origin: germline.
Comment: This sequence change replaces alanine, which is neutral and non-polar, with aspartic acid, which is acidic and polar, at codon 93 of the EFNA4 protein (p.Ala93Asp). This variant is present in population databases (no rsID available, gnomAD 0.0009%). This variant has not been reported in the literature in individuals affected with EFNA4-related conditions. An algorithm developed to predict the effect of missense changes on protein structure and function (PolyPhen-2) suggests that this variant is likely to be disruptive. In summary, the available evidence is currently insufficient to determine the role of this variant in disease. Therefore, it has been classified as a Variant of Uncertain Significance.